The following is an entry in ClinVar:

ClinVar aggregate classification (germline): Uncertain significance (1 of 4 stars; one submission).

Conditions:
Mitochondrial complex V (ATP synthase) deficiency, nuclear type 2. Also called: Nuclear-Encoded ATPase Deficiency, TMEM70-Related; ENCEPHALOCARDIOMYOPATHY, MITOCHONDRIAL, NEONATAL, DUE TO ATP SYNTHASE DEFICIENCY; MITOCHONDRIAL COMPLEX V (ATP SYNTHASE) DEFICIENCY, TMEM70 TYPE. Identifiers: Orphanet 1194, MedGen C3279699, MONDO:0013546, OMIM 614052.

Submission:

Labcorp Genetics (formerly Invitae), Labcorp
Classification: Uncertain significance for Mitochondrial complex V (ATP synthase) deficiency, nuclear type 2. Last evaluated: 2021-04-20. Review status: criteria provided, single submitter. Criteria: Invitae Variant Classification Sherloc (09022015). Collection method: clinical testing. Allele origin: germline.
Comment: This sequence change replaces proline with arginine at codon 32 of the TMEM70 protein (p.Pro32Arg). The proline residue is weakly conserved and there is a moderate physicochemical difference between proline and arginine. This variant is not present in population databases (ExAC no frequency). This variant has not been reported in the literature in individuals with TMEM70-related conditions. Algorithms developed to predict the effect of missense changes on protein structure and function are either unavailable or do not agree on the potential impact of this missense change (SIFT: "Tolerated"; PolyPhen-2: "Probably Damaging"; Align-GVGD: "Class C0"). In summary, the available evidence is currently insufficient to determine the role of this variant in disease. Therefore, it has been classified as a Variant of Uncertain Significance.

NM_017866.6(TMEM70):c.95C>G (p.Pro32Arg)

Gene: TMEM70 (transmembrane protein 70; plus strand). Cytogenetic location: 8q21.11.
Variant type: single nucleotide variant.
Coding change: c.95C>G on transcript NM_017866.6 (MANE Select); coding-DNA position 95, C replaced by G.
Protein change: p.Pro32Arg; replaces proline 32 with arginine.
Molecular consequence: missense variant. On other transcripts: non-coding transcript variant (1).
Genome position (GRCh38, 1-based): chr8:73,976,376, C>G. VCF-style: chr8-73976376-C-G. GRCh37 (hg19) VCF-style: chr8-74888611-C-G.
Other names: c.95C>G, p.Pro32Arg (NM_001040613.3); short protein forms P32R.
Identifiers: ClinVar variation 1504136 (VCV001504136.7), dbSNP rs2131230903, ClinGen allele CA371489250.